The following is an entry in ClinVar:

ClinVar aggregate classification (germline): Benign. Review status: criteria provided, multiple submitters, no conflicts (2 of 4 stars). 2 submissions from 2 submitters: Benign (2). Last evaluated 2018-01-13.

Conditions:
Osteogenesis imperfecta type 11. Also called: OI, TYPE XI; Osteogenesis imperfecta, type XI. Identifiers: Orphanet 666, MedGen C3151218, MONDO:0012592, OMIM 610968.

Allele frequency attached by ClinVar (database versions not stated): gnomAD 0.75914 and 0.76251; gnomAD exomes 0.77008; TOPMed 0.78045; 1000 Genomes Project 0.78714; 1000 Genomes Project 30x 0.79060.

Submissions (2):

Illumina Laboratory Services, Illumina
Classification: Benign for Osteogenesis imperfecta type 11. Last evaluated: 2018-01-13. Review status: criteria provided, single submitter. Criteria: ICSL Variant Classification Criteria 13 December 2019. Collection method: clinical testing. Allele origin: germline.
Comment: This variant was observed in the ICSL laboratory as part of a predisposition screen in an ostensibly healthy population. It had not been previously curated by ICSL or reported in the Human Gene Mutation Database (HGMD: prior to June 1st, 2018), and was therefore a candidate for classification through an automated scoring system. Utilizing variant allele frequency, disease prevalence and penetrance estimates, and inheritance mode, an automated score was calculated to assess if this variant is too frequent to cause the disease. Based on the score and internal cut-off values, a variant classified as benign is not then subjected to further curation. The score for this variant resulted in a classification of benign for this disease.

Breakthrough Genomics
Classification: Benign. Review status: criteria provided, single submitter. Criteria: ACMG Guidelines, 2015. Collection method: not provided. Allele origin: germline. Inheritance: Autosomal recessive inheritance. Affected: yes.

NM_021939.4(FKBP10):c.*402T>A

Gene: FKBP10 (FKBP prolyl isomerase 10; plus strand). Cytogenetic location: 17q21.2.
Variant type: single nucleotide variant.
Coding change: c.*402T>A on transcript NM_021939.4 (MANE Select); 402 bases downstream of the stop codon, T replaced by A.
Molecular consequence: 3 prime UTR variant.
Genome position (GRCh38, 1-based): chr17:41,822,810, T>A. VCF-style: chr17-41822810-T-A. GRCh37 (hg19) VCF-style: chr17-39979062-T-A.
Identifiers: ClinVar variation 323197 (VCV000323197.6), dbSNP rs1043002, ClinGen allele CA10645650.